The following is an entry in ClinVar:

NM_004974.4(KCNA2):c.520C>A (p.Leu174Met)

Gene: KCNA2 (potassium voltage-gated channel subfamily A member 2; minus strand). Cytogenetic location: 1p13.3.
Variant type: single nucleotide variant.
Coding change: c.520C>A on transcript NM_004974.4 (MANE Select); coding-DNA position 520, C replaced by A.
Protein change: p.Leu174Met; replaces leucine 174 with methionine.
Molecular consequence: missense variant.
Genome position (GRCh38, 1-based): chr1:110,604,263, G>T on the plus strand (C>A on the coding strand, the complement: KCNA2 is on the minus strand). VCF-style: chr1-110604263-G-T. GRCh37 (hg19) VCF-style: chr1-111146885-G-T.
Other names: c.520C>A, p.Leu174Met (NM_001204269.2); short protein forms L174M.
Identifiers: ClinVar variation 1358054 (VCV001358054.8), dbSNP rs2101401415, ClinGen allele CA341603857.

ClinVar aggregate classification (germline): Uncertain significance (1 of 4 stars; one submission).

Conditions:
Developmental and epileptic encephalopathy, 32 (DEE32). Also called: Epileptic encephalopathy, early infantile, 32. Identifiers: Orphanet 442835, MedGen C4225350, MONDO:0014607, OMIM 616366.

Submission:

Labcorp Genetics (formerly Invitae), Labcorp
Classification: Uncertain significance for Developmental and epileptic encephalopathy, 32. Last evaluated: 2024-10-15. Review status: criteria provided, single submitter. Criteria: Invitae Variant Classification Sherloc (09022015). Collection method: clinical testing. Allele origin: germline.
Comment: This sequence change replaces leucine, which is neutral and non-polar, with methionine, which is neutral and non-polar, at codon 174 of the KCNA2 protein (p.Leu174Met). This variant is not present in population databases (gnomAD no frequency). This missense change has been observed in individual(s) with clinical features of autosomal dominant early infantile epileptic encephalopathy (internal data). ClinVar contains an entry for this variant (Variation ID: 1358054). Invitae Evidence Modeling of protein sequence and biophysical properties (such as structural, functional, and spatial information, amino acid conservation, physicochemical variation, residue mobility, and thermodynamic stability) indicates that this missense variant is not expected to disrupt KCNA2 protein function with a negative predictive value of 95%. In summary, the available evidence is currently insufficient to determine the role of this variant in disease. Therefore, it has been classified as a Variant of Uncertain Significance.